The following is an entry in ClinVar:

ClinVar aggregate classification (germline): Uncertain significance. Review status: criteria provided, multiple submitters, no conflicts (2 of 4 stars). 2 submissions from 2 submitters: Uncertain significance (2). Last evaluated 2024-05-22.

Submissions (2):

Labcorp Genetics (formerly Invitae), Labcorp
Classification: Uncertain significance. Last evaluated: 2024-05-22. Review status: criteria provided, single submitter. Criteria: Invitae Variant Classification Sherloc (09022015). Collection method: clinical testing. Allele origin: germline.
Comment: This sequence change replaces glutamine, which is neutral and polar, with histidine, which is basic and polar, at codon 561 of the COL11A1 protein (p.Gln561His). This variant also falls at the last nucleotide of exon 15, which is part of the consensus splice site for this exon. This variant is not present in population databases (gnomAD no frequency). This variant has not been reported in the literature in individuals affected with COL11A1-related conditions. ClinVar contains an entry for this variant (Variation ID: 1312553). Experimental studies and prediction algorithms are not available or were not evaluated, and the functional significance of this variant is currently unknown. Variants that disrupt the consensus splice site are a relatively common cause of aberrant splicing (PMID: 17576681, 9536098). Algorithms developed to predict the effect of sequence changes on RNA splicing suggest that this variant may disrupt the consensus splice site. In summary, the available evidence is currently insufficient to determine the role of this variant in disease. Therefore, it has been classified as a Variant of Uncertain Significance.

GeneDx
Classification: Uncertain significance. Last evaluated: 2020-02-28. Review status: criteria provided, single submitter. Criteria: GeneDx Variant Classification Process June 2021. Collection method: clinical testing. Allele origin: germline. Affected: yes.
Comment: Has not been previously published as pathogenic or benign to our knowledge; Not observed in large population cohorts (Lek et al., 2016); In silico analysis supports that this missense variant has a deleterious effect on protein structure/function; Located in the last nucleotide position of the exon and in silico analysis suggests a deleterious effect on splicing; however, in the absence of functional studies, the actual effect of this sequence change on splicing is unknown

Literature cited by the submitters: PubMed 17576681 (cited by Labcorp Genetics (formerly Invitae), Labcorp); PubMed 9536098 (cited by Labcorp Genetics (formerly Invitae), Labcorp).

NM_001854.4(COL11A1):c.1683G>T (p.Gln561His)

Gene: COL11A1 (collagen type XI alpha 1 chain; minus strand). Cytogenetic location: 1p21.1.
Variant type: single nucleotide variant.
Coding change: c.1683G>T on transcript NM_001854.4 (MANE Select); coding-DNA position 1683, G replaced by T.
Protein change: p.Gln561His; replaces glutamine 561 with histidine.
Molecular consequence: missense variant. On other transcripts: non-coding transcript variant (1).
Genome position (GRCh38, 1-based): chr1:103,008,463, C>A on the plus strand (G>T on the coding strand, the complement: COL11A1 is on the minus strand). VCF-style: chr1-103008463-C-A. GRCh37 (hg19) VCF-style: chr1-103474019-C-A.
Other names: c.1566G>T, p.Gln522His (NM_001190709.2); c.1719G>T, p.Gln573His (NM_080629.3); c.1335G>T, p.Gln445His (NM_080630.4); short protein forms Q445H, Q522H, Q561H, Q573H.
Identifiers: ClinVar variation 1312553 (VCV001312553.4), dbSNP rs2101869336, ClinGen allele CA341175412.